The following is an entry in ClinVar:

ClinVar aggregate classification (germline): Uncertain significance (1 of 4 stars; one submission).

Conditions:
Hereditary cancer-predisposing syndrome. Also called: Hereditary Cancer Syndrome; Hereditary neoplastic syndrome; Neoplastic Syndromes, Hereditary; Tumor predisposition. Identifiers: Orphanet 140162, MedGen C0027672, MeSH D009386, MONDO:0015356.

Submission:

Ambry Genetics
Classification: Uncertain significance for Hereditary cancer-predisposing syndrome. Last evaluated: 2020-06-30. Review status: criteria provided, single submitter. Criteria: Ambry Variant Classification Scheme 2023. Collection method: clinical testing. Allele origin: germline.
Comment: The p.D186E variant (also known as c.558C>A), located in coding exon 3 of the MSH6 gene, results from a C to A substitution at nucleotide position 558. The aspartic acid at codon 186 is replaced by glutamic acid, an amino acid with highly similar properties. This amino acid position is well conserved in available vertebrate species. In addition, this alteration is predicted to be tolerated by in silico analysis. Since supporting evidence is limited at this time, the clinical significance of this alteration remains unclear.

NM_000179.3(MSH6):c.558C>A (p.Asp186Glu)

Gene: MSH6 (mutS homolog 6; plus strand). Cytogenetic location: 2p16.3.
Variant type: single nucleotide variant.
Coding change: c.558C>A on transcript NM_000179.3 (MANE Select); coding-DNA position 558, C replaced by A.
Protein change: p.Asp186Glu; replaces aspartic acid 186 with glutamic acid.
Molecular consequence: missense variant. On other transcripts: 5 prime UTR variant (1), intron variant (2).
Genome position (GRCh38, 1-based): chr2:47,795,994, C>A. VCF-style: chr2-47795994-C-A. GRCh37 (hg19) VCF-style: chr2-48023133-C-A.
Other names: c.558C>A, p.Asp186Glu (NM_001406803.1, NM_001406809.1, NM_001406808.1 and 5 more transcripts); c.480C>A, p.Asp160Glu (NM_001406804.1); c.261C>A, p.Asp87Glu (NM_001406805.1, NM_001406797.1, NM_001406801.1 and 10 more transcripts); c.564C>A, p.Asp188Glu (NM_001406813.1); c.33C>A, p.Asp11Glu (NM_001406806.1, NM_001406807.1, NM_001406799.1); c.-345C>A (NM_001281494.2); c.654C>A, p.Asp218Glu (NM_001406795.1, NM_001406802.1); c.-437C>A (NM_001406814.1); and 3 more; short protein forms D130E, D11E, D87E, D160E, D218E, D186E, D188E.
Identifiers: ClinVar variation 1748467 (VCV001748467.2), dbSNP rs587779943, ClinGen allele CA346738764.